The following is an entry in ClinVar:

NM_015311.3(OBSL1):c.1315G>A (p.Asp439Asn)

Gene: OBSL1 (obscurin like cytoskeletal adaptor 1; minus strand). Cytogenetic location: 2q35.
Variant type: single nucleotide variant.
Coding change: c.1315G>A on transcript NM_015311.3 (MANE Select); coding-DNA position 1315, G replaced by A.
Protein change: p.Asp439Asn; replaces aspartic acid 439 with asparagine.
Molecular consequence: missense variant.
Genome position (GRCh38, 1-based): chr2:219,567,937, C>T on the plus strand (G>A on the coding strand, the complement: OBSL1 is on the minus strand). VCF-style: chr2-219567937-C-T. GRCh37 (hg19) VCF-style: chr2-220432659-C-T.
Other names: c.1315G>A, p.Asp439Asn (NM_001173408.2, NM_001173431.2); short protein forms D439N.
Identifiers: ClinVar variation 1909412 (VCV001909412.3), dbSNP rs117103470, ClinGen allele CA2131554.
Genomic context (GRCh38, chr2:219,567,937, plus strand): 5'-CCTCGACCCCGGCCTCTAGAGTTTCCACTAGCAGCACAGCATTCTCTCCTTCCAGGACGT[C>T]GAGCTTCCGGGGCAGGCGCTTCAGGATGGGCCCTGAGATGCGGACAGGAATCCATCAACC-3'
Protein context (NP_056126.1, residues 429-449): PILKRLPRKL[Asp439Asn]VLEGENAVLL

ClinVar aggregate classification (germline): Uncertain significance (1 of 4 stars; one submission).

Allele frequency attached by ClinVar (database versions not stated): TOPMed below 0.00001; ExAC 0.00001; gnomAD exomes 0.00001; gnomAD 0.00002; 1000 Genomes Project 0.00040; 1000 Genomes Project 30x 0.00047.
gnomAD v4.1: 16 of 1,613,842 alleles (0.00099%); highest among the groups gnomAD compares: East Asian, 0.018%; no homozygotes.

Submission:

Labcorp Genetics (formerly Invitae), Labcorp
Classification: Uncertain significance. Last evaluated: 2022-06-10. Review status: criteria provided, single submitter. Criteria: Invitae Variant Classification Sherloc (09022015). Collection method: clinical testing. Allele origin: germline.
Comment: In summary, the available evidence is currently insufficient to determine the role of this variant in disease. Therefore, it has been classified as a Variant of Uncertain Significance. Algorithms developed to predict the effect of missense changes on protein structure and function are either unavailable or do not agree on the potential impact of this missense change (SIFT: "Deleterious"; PolyPhen-2: "Probably Damaging"; Align-GVGD: "Class C0"). This variant has not been reported in the literature in individuals affected with OBSL1-related conditions. This variant is present in population databases (rs117103470, gnomAD 0.02%). This sequence change replaces aspartic acid, which is acidic and polar, with asparagine, which is neutral and polar, at codon 439 of the OBSL1 protein (p.Asp439Asn).